The following is an entry in ClinVar:

ClinVar aggregate classification (germline): Uncertain significance. Review status: criteria provided, multiple submitters, no conflicts (2 of 4 stars). 2 submissions from 2 submitters: Uncertain significance (2). Last evaluated 2024-05-08.

Conditions:
Familial hemophagocytic lymphohistiocytosis 5. Also called: STXBP2-Related Familial Hemophagocytic Lymphohistiocytosis (STXBP2-fHLH). Identifiers: Orphanet 540, MedGen C2751293, MONDO:0013135, OMIM 613101.
Inborn genetic diseases. Identifiers: MedGen C0950123, MeSH D030342.

Allele frequency attached by ClinVar (database versions not stated): TOPMed below 0.00001; gnomAD 0.00001; gnomAD exomes 0.00002.
gnomAD v4.1: 28 of 1,594,456 alleles (0.0018%); highest among the groups gnomAD compares: Non-Finnish European, 0.0022%; no homozygotes.

Submissions (2):

Ambry Genetics
Classification: Uncertain significance for Inborn genetic diseases. Last evaluated: 2024-05-08. Review status: criteria provided, single submitter. Criteria: Ambry Variant Classification Scheme 2023. Collection method: clinical testing. Allele origin: germline.

Labcorp Genetics (formerly Invitae), Labcorp
Classification: Uncertain significance for Familial hemophagocytic lymphohistiocytosis 5. Last evaluated: 2023-07-17. Review status: criteria provided, single submitter. Criteria: Invitae Variant Classification Sherloc (09022015). Collection method: clinical testing. Allele origin: germline.
Comment: In summary, the available evidence is currently insufficient to determine the role of this variant in disease. Therefore, it has been classified as a Variant of Uncertain Significance. An algorithm developed to predict the effect of missense changes on protein structure and function (PolyPhen-2) suggests that this variant is likely to be disruptive. ClinVar contains an entry for this variant (Variation ID: 1384427). This variant has not been reported in the literature in individuals affected with STXBP2-related conditions. This variant is not present in population databases (gnomAD no frequency). This sequence change replaces isoleucine, which is neutral and non-polar, with threonine, which is neutral and polar, at codon 565 of the STXBP2 protein (p.Ile565Thr).

NM_006949.4(STXBP2):c.1694T>C (p.Ile565Thr)

Gene: STXBP2 (syntaxin binding protein 2; plus strand). Cytogenetic location: 19p13.2.
Variant type: single nucleotide variant.
Coding change: c.1694T>C on transcript NM_006949.4 (MANE Select); coding-DNA position 1694, T replaced by C.
Protein change: p.Ile565Thr; replaces isoleucine 565 with threonine.
Molecular consequence: missense variant. On other transcripts: non-coding transcript variant (1).
Genome position (GRCh38, 1-based): chr19:7,647,509, T>C. VCF-style: chr19-7647509-T-C. GRCh37 (hg19) VCF-style: chr19-7712395-T-C.
Other names: c.1685T>C, p.Ile562Thr (NM_001127396.3); c.1727T>C, p.Ile576Thr (NM_001272034.2); c.1694T>C (NM_006949.2); short protein forms I562T, I565T, I576T.
Identifiers: ClinVar variation 1384427 (VCV001384427.7), dbSNP rs2032186554, ClinGen allele CA403162249.
Genomic context (GRCh38, chr19:7,647,509, plus strand): 5'-CAGAGATGAGGGCCGCCTACGAGGTGACCAGGGCCACCGAGGGCAAGTGGGAGGTGCTCA[T>C]TGGTAAGTCACCAGGACTGGGACCCTGGGGTCTGGGGCTTGGGTTCCCGGGGCCTGGGCT-3'
Protein context (NP_008880.2, residues 555-575): RATEGKWEVL[Ile565Thr]GSSHILTPTR